The following is an entry in ClinVar:

NM_000059.4(BRCA2):c.1287A>G (p.Leu429=)

Gene: BRCA2 (BRCA2 DNA repair associated; plus strand). Cytogenetic location: 13q13.1.
Variant type: single nucleotide variant.
Coding change: c.1287A>G on transcript NM_000059.4 (MANE Select); coding-DNA position 1287, A replaced by G.
Protein change: p.Leu429=; no amino-acid change (leucine 429 retained).
Molecular consequence: synonymous variant.
Genome position (GRCh38, 1-based): chr13:32,332,765, A>G. VCF-style: chr13-32332765-A-G. GRCh37 (hg19) VCF-style: chr13-32906902-A-G.
Other names: 1515A/G.
Identifiers: ClinVar variation 51095 (VCV000051095.21), dbSNP rs80359782, ClinGen allele CA011458.
Genomic context (GRCh38, chr13:32,332,765, plus strand): 5'-GAAAATACCCCTATTGCATATTTCTTCATGTGACCAAAATATTTCAGAAAAAGACCTATT[A>G]GACACAGAGAACAAAAGAAAGAAAGATTTTCTTACTTCAGAGAATTCTTTGCCACGTATT-3'
Protein context (NP_000050.3, residues 419-439): CDQNISEKDL[Leu429=]DTENKRKKDF

ClinVar aggregate classification (germline): Likely benign. Review status: reviewed by expert panel (3 of 4 stars). 10 submissions from 10 submitters: Likely benign (1). 9 of the submissions do not count toward it. Last evaluated 2017-06-29.

Conditions:
Hereditary cancer-predisposing syndrome. Also called: Neoplastic Syndromes, Hereditary; Tumor predisposition; Hereditary Cancer Syndrome; Hereditary neoplastic syndrome. Identifiers: Orphanet 140162, MedGen C0027672, MeSH D009386, MONDO:0015356.
Hereditary breast ovarian cancer syndrome. Also called: Hereditary breast and ovarian cancer syndrome; Hereditary breast and ovarian cancer; Hereditary breast and ovarian cancer syndrome (HBOC); Breast and ovarian cancer; Hereditary breast and/or ovarian cancer syndrome; BRCA1- and BRCA2-Associated Hereditary Breast and Ovarian Cancer. Identifiers: Orphanet 145, MedGen C0677776, MeSH D061325, MONDO:0003582. Disease mechanism: loss of function.
Breast-ovarian cancer, familial, susceptibility to, 2 (BROVCA2). Also called: BRCA2 Hereditary Breast and Ovarian Cancer. Identifiers: Orphanet 145, MedGen C2675520, MONDO:0012933, OMIM 612555. Disease mechanism: loss of function.
BRCA2-related cancer predisposition. Identifiers: MedGen CN377758, MONDO:0700269.

Allele frequency attached by ClinVar (database versions not stated): gnomAD 0.00001; gnomAD exomes 0.00001 and 0.00002; ExAC 0.00002.
gnomAD v4.1: 15 of 1,608,606 alleles (0.00093%); highest among the groups gnomAD compares: South Asian, 0.017%; 1 homozygote.

Submissions (10):

Evidence-based Network for the Interpretation of Germline Mutant Alleles (ENIGMA)
Classification: Likely benign for Breast-ovarian cancer, familial, susceptibility to, 2. Last evaluated: 2017-06-29. Review status: reviewed by expert panel. Criteria: ENIGMA BRCA1/2 Classification Criteria (2017-06-29). Collection method: curation. Allele origin: germline.
Comment: Synonymous substitution variant, with low bioinformatic likelihood to result in a splicing aberration (Splicing prior probability 0.02).

Labcorp Genetics (formerly Invitae), Labcorp
Classification: Likely benign for Hereditary breast ovarian cancer syndrome. Last evaluated: 2025-05-15. Review status: criteria provided, single submitter. Criteria: Invitae Variant Classification Sherloc (09022015). Collection method: clinical testing. Allele origin: germline. Not counted in ClinVar's aggregate classification.

All of Us Research Program, National Institutes of Health
Classification: Likely benign for Breast-ovarian cancer, familial, susceptibility to, 2. Last evaluated: 2023-09-04. Review status: criteria provided, single submitter. Criteria: ACMG Guidelines, 2015. Collection method: clinical testing. Allele origin: germline. Inheritance: Autosomal dominant inheritance. Observed: 1 variant allele, 1 heterozygote. Not counted in ClinVar's aggregate classification.
Comment: This study involves interpretation of variants in research participants for the purpose of population health screening. Participant phenotype was not available at the time of variant classification. Additional details can be found in publication PMID: 35346344, PMCID: PMC8962531

Department of Pathology and Laboratory Medicine, Sinai Health System
Classification: Uncertain significance for BRCA2-related cancer predisposition. Last evaluated: 2021-05-14. Review status: criteria provided, single submitter. Criteria: ACMG Guidelines, 2015. Collection method: clinical testing. Allele origin: germline. Affected: no. Not counted in ClinVar's aggregate classification.

Women's Health and Genetics/Laboratory Corporation of America, LabCorp
Classification: Likely benign. Last evaluated: 2020-01-31. Review status: criteria provided, single submitter. Criteria: LabCorp Variant Classification Summary - May 2015. Collection method: clinical testing. Allele origin: germline. Not counted in ClinVar's aggregate classification.

Color Diagnostics, LLC DBA Color Health
Classification: Likely benign for Hereditary cancer-predisposing syndrome. Last evaluated: 2019-03-19. Review status: criteria provided, single submitter. Criteria: ACMG Guidelines, 2015. Collection method: clinical testing. Allele origin: germline. Not counted in ClinVar's aggregate classification.

GeneDx
Classification: Likely benign. Last evaluated: 2016-11-25. Review status: criteria provided, single submitter. Criteria: GeneDx Variant Classification (06012015). Collection method: clinical testing. Allele origin: germline. Affected: yes. Not counted in ClinVar's aggregate classification.
Comment: This variant is considered likely benign or benign based on one or more of the following criteria: it is a conservative change, it occurs at a poorly conserved position in the protein, it is predicted to be benign by multiple in silico algorithms, and/or has population frequency not consistent with disease.

Ambry Genetics
Classification: Likely benign for Hereditary cancer-predisposing syndrome. Last evaluated: 2015-08-20. Review status: criteria provided, single submitter. Criteria: Ambry Variant Classification Scheme 2023. Collection method: clinical testing. Allele origin: germline. Not counted in ClinVar's aggregate classification.

Counsyl
Classification: Likely benign for Breast-ovarian cancer, familial, susceptibility to, 2. Last evaluated: 2017-10-10. Review status: no assertion criteria provided. Collection method: clinical testing. Allele origin: unknown. Not counted in ClinVar's aggregate classification.

Breast Cancer Information Core (BIC) (BRCA2)
Classification: Uncertain significance for Breast-ovarian cancer, familial 2. Last evaluated: 1998-11-30. Review status: no assertion criteria provided. Collection method: clinical testing. Allele origin: germline. Affected: yes. Observed: 1 variant allele. Not counted in ClinVar's aggregate classification.

Literature cited by the submitters: PubMed 9971877 (cited by 3 submitters).